The following is an entry in ClinVar:

ClinVar aggregate classification (germline): Conflicting classifications of pathogenicity. Review status: criteria provided, conflicting classifications (1 of 4 stars). 3 submissions from 3 submitters: Uncertain significance (2); Likely benign (1). Last evaluated 2025-04-30.

Allele frequency attached by ClinVar (database versions not stated): gnomAD 0.00005; gnomAD exomes 0.00005; TOPMed 0.00009; ExAC 0.00011.
gnomAD v4.1: 73 of 1,614,134 alleles (0.0045%); highest among the groups gnomAD compares: East Asian, 0.15%; 1 homozygote.

Submissions (3):

Ambry Genetics
Classification: Uncertain significance. Last evaluated: 2025-04-30. Review status: criteria provided, single submitter. Criteria: Ambry Variant Classification Scheme 2023. Collection method: clinical testing. Allele origin: germline.

CeGaT Center for Human Genetics Tuebingen
Classification: Likely benign. Last evaluated: 2024-06-01. Review status: criteria provided, single submitter. Criteria: CeGaT Center For Human Genetics Tuebingen Variant Classification Criteria Version 2. Collection method: clinical testing. Allele origin: germline. Affected: yes. Observed: 1 variant allele.
Comment: ATP2B4: BP4, BS1

Labcorp Genetics (formerly Invitae), Labcorp
Classification: Uncertain significance. Last evaluated: 2022-03-04. Review status: criteria provided, single submitter. Criteria: Invitae Variant Classification Sherloc (09022015). Collection method: clinical testing. Allele origin: germline.
Comment: This sequence change replaces isoleucine, which is neutral and non-polar, with valine, which is neutral and non-polar, at codon 640 of the ATP2B4 protein (p.Ile640Val). This variant is present in population databases (rs530220412, gnomAD 0.1%), and has an allele count higher than expected for a pathogenic variant. This variant has not been reported in the literature in individuals affected with ATP2B4-related conditions. Algorithms developed to predict the effect of missense changes on protein structure and function (SIFT, PolyPhen-2, Align-GVGD) all suggest that this variant is likely to be tolerated. In summary, the available evidence is currently insufficient to determine the role of this variant in disease. Therefore, it has been classified as a Variant of Uncertain Significance.

NM_001684.5(ATP2B4):c.1918A>G (p.Ile640Val)

Gene: ATP2B4 (ATPase plasma membrane Ca2+ transporting 4; plus strand). Cytogenetic location: 1q32.1.
Variant type: single nucleotide variant.
Coding change: c.1918A>G on transcript NM_001684.5 (MANE Select); coding-DNA position 1918, A replaced by G.
Protein change: p.Ile640Val; replaces isoleucine 640 with valine.
Molecular consequence: missense variant.
Genome position (GRCh38, 1-based): chr1:203,710,995, A>G. VCF-style: chr1-203710995-A-G. GRCh37 (hg19) VCF-style: chr1-203680123-A-G.
Other names: c.1918A>G, p.Ile640Val (NM_001001396.3, NM_001365783.2, NM_001365784.2); c.1918A>G (NM_001684.4); short protein forms I640V.
Identifiers: ClinVar variation 2058129 (VCV002058129.22), dbSNP rs530220412, ClinGen allele CA1341733.
Genomic context (GRCh38, chr1:203,710,995, plus strand): 5'-GATGATATGGTACGCACTGTCATCGAGCCCATGGCCTGTGATGGACTCCGGACTATCTGC[A>G]TAGCTTACCGGGACTTCGATGACACAGAGCCCTCTTGGGACAATGAGAATGAGATCCTCA-3'
Protein context (NP_001675.3, residues 630-650): MACDGLRTIC[Ile640Val]AYRDFDDTEP